The following is an entry in ClinVar:

NM_001201543.2(FAM161A):c.813dup (p.Gln272fs)

Gene: FAM161A (FAM161 centrosomal protein A; minus strand). Cytogenetic location: 2p15.
Variant type: Duplication.
Coding change: c.813dup on transcript NM_001201543.2 (MANE Select); coding-DNA position 813, one base duplicated (A; older notation c.813dupA).
Protein change: p.Gln272fs; shifts the reading frame from glutamine 272.
Molecular consequence: frameshift variant. On other transcripts: non-coding transcript variant (1).
Genome position (GRCh38, 1-based): chr2:61,840,191, T duplicated on the plus strand (A on the coding strand, the reverse complement: FAM161A is on the minus strand); the first of 6 consecutive T bases (chr2:61,840,191-61,840,196); duplicating any one gives the same sequence. VCF-style (leftmost placement, unchanged base first): chr2-61840190-G-GT. GRCh37 (hg19) VCF-style: chr2-62067325-G-GT.
Other names: c.813dup, p.Gln272fs (NM_032180.3); short protein forms Q272fs.
Identifiers: ClinVar variation 2122958 (VCV002122958.4), dbSNP rs2466026675, ClinGen allele CA2580067631.

ClinVar aggregate classification (germline): Pathogenic (1 of 4 stars; one submission).

Submission:

Labcorp Genetics (formerly Invitae), Labcorp
Classification: Pathogenic. Last evaluated: 2023-10-03. Review status: criteria provided, single submitter. Criteria: Invitae Variant Classification Sherloc (09022015). Collection method: clinical testing. Allele origin: germline.
Comment: This sequence change creates a premature translational stop signal (p.Gln272Thrfs*8) in the FAM161A gene. It is expected to result in an absent or disrupted protein product. Loss-of-function variants in FAM161A are known to be pathogenic (PMID: 20705278, 20705279, 24651477). This variant is not present in population databases (gnomAD no frequency). This variant has not been reported in the literature in individuals affected with FAM161A-related conditions. ClinVar contains an entry for this variant (Variation ID: 2122958). For these reasons, this variant has been classified as Pathogenic.

Literature cited by the submitters: PubMed 20705278; PubMed 20705279; PubMed 24651477.